The following is an entry in ClinVar:

NM_001042681.2(RERE):c.4293C>A (p.His1431Gln)

Gene: RERE (arginine-glutamic acid dipeptide repeats; minus strand). Cytogenetic location: 1p36.23.
Variant type: single nucleotide variant.
Coding change: c.4293C>A on transcript NM_001042681.2 (MANE Select); coding-DNA position 4293, C replaced by A.
Protein change: p.His1431Gln; replaces histidine 1431 with glutamine.
Molecular consequence: missense variant.
Genome position (GRCh38, 1-based): chr1:8,358,242, G>T on the plus strand (C>A on the coding strand, the complement: RERE is on the minus strand). VCF-style: chr1-8358242-G-T. GRCh37 (hg19) VCF-style: chr1-8418302-G-T.
Other names: c.2631C>A, p.His877Gln (NM_001042682.2); c.4293C>A, p.His1431Gln (NM_012102.4); short protein forms H1431Q, H877Q.
Identifiers: ClinVar variation 224822 (VCV000224822.9), dbSNP rs869312871, ClinGen allele CA357922.
Genomic context (GRCh38, chr1:8,358,242, plus strand): 5'-GCTGGGGCACGCACCTTGGTGGAGGGGGTCCTGCTGGTGGAGGTGGAGGTGGGAGTGAAT[G>T]TGAGAGTGCTGGTGATGGTGCGGAGTCACGTTGAACATCTGCAGTCGGGCCAGGGGATCG-3'
Protein context (NP_001036146.1, residues 1421-1441): NVTPHHHQHS[His1431Gln]IHSHLHLHQQ

ClinVar aggregate classification (germline): Pathogenic/Likely pathogenic. Review status: criteria provided, multiple submitters, no conflicts (2 of 4 stars). 5 submissions from 5 submitters: Pathogenic (2); Likely pathogenic (2). 1 of the submissions does not count toward it. Last evaluated 2025-01-01.

Conditions:
Neurodevelopmental disorder with or without anomalies of the brain, eye, or heart (NEDBEH). Identifiers: Orphanet 494344, MedGen C5567477, MONDO:0014857, OMIM 616975.
Cerebral visual impairment and intellectual disability.
Inborn genetic diseases. Identifiers: MedGen C0950123, MeSH D030342.

Submissions (5):

Center of Human Genetics, Hôpital Erasme
Classification: Pathogenic for Neurodevelopmental disorder with or without anomalies of the brain, eye, or heart. Last evaluated: 2025-01-01. Review status: criteria provided, single submitter. Criteria: ACMG Guidelines, 2015. Collection method: clinical testing. Allele origin: de novo. Affected: yes.

GeneDx
Classification: Pathogenic. Last evaluated: 2022-11-17. Review status: criteria provided, single submitter. Criteria: GeneDx Variant Classification Process June 2021. Collection method: clinical testing. Allele origin: germline. Affected: yes.
Comment: Not observed at significant frequency in large population cohorts (gnomAD); In silico analysis supports that this missense variant has a deleterious effect on protein structure/function; This variant is associated with the following publications: (PMID: 26350515, 27087320)

Ambry Genetics
Classification: Likely pathogenic for Inborn genetic diseases. Last evaluated: 2018-08-17. Review status: criteria provided, single submitter. Criteria: Ambry exome assertion method (8-5-2015). Collection method: clinical testing. Allele origin: germline. Affected: yes. Observed: 1 variant allele.

Lupski Lab, Baylor-Hopkins CMG, Baylor College of Medicine
Classification: Likely pathogenic for Cerebral visual impairment and intellectual disability. Last evaluated: 2015-09-09. Review status: criteria provided, single submitter. Criteria: Bosch et al. (EJHG 2015). Collection method: research. Allele origin: de novo. Affected: yes. Observed: 1 variant allele, 1 heterozygote.
Comment: This study shows that diverse genetic causes underlie CVI.

OMIM
Classification: Pathogenic for NEURODEVELOPMENTAL DISORDER WITH ANOMALIES OF THE BRAIN AND EYE. Last evaluated: 2018-01-08. Review status: no assertion criteria provided. Collection method: literature only. Allele origin: germline. Not counted in ClinVar's aggregate classification.

Literature cited by the submitters: PubMed 26350515 (cited by Ambry Genetics and OMIM); PubMed 27087320 (cited by Ambry Genetics and OMIM).